The following is an entry in ClinVar:

ClinVar aggregate classification (germline): Uncertain significance (1 of 4 stars; one submission).

Submission:

CeGaT Center for Human Genetics Tuebingen
Classification: Uncertain significance. Last evaluated: 2023-09-01. Review status: criteria provided, single submitter. Criteria: CeGaT Center For Human Genetics Tuebingen Variant Classification Criteria Version 2. Collection method: clinical testing. Allele origin: germline. Affected: yes. Observed: 1 variant allele.
Comment: MBD5: PM2, BP4

NM_001378120.1(MBD5):c.1966T>A (p.Leu656Met)

Gene: MBD5 (methyl-CpG binding domain protein 5; plus strand). Cytogenetic location: 2q23.1.
Variant type: single nucleotide variant.
Coding change: c.1966T>A on transcript NM_001378120.1 (MANE Select); coding-DNA position 1966, T replaced by A.
Protein change: p.Leu656Met; replaces leucine 656 with methionine.
Molecular consequence: missense variant.
Genome position (GRCh38, 1-based): chr2:148,469,909, T>A. VCF-style: chr2-148469909-T-A. GRCh37 (hg19) VCF-style: chr2-149227478-T-A.
Other names: c.1966T>A, p.Leu656Met (NM_018328.5); short protein forms L656M.
Identifiers: ClinVar variation 2651410 (VCV002651410.24), dbSNP rs1680735369, ClinGen allele CA348720825.